The following is an entry in ClinVar:

ClinVar aggregate classification (germline): Uncertain significance (1 of 4 stars; one submission).

Conditions:
Familial encephalopathy with neuroserpin inclusion bodies. Also called: ENCEPHALOPATHY, FAMILIAL, WITH COLLINS BODIES. Identifiers: Orphanet 85110, MedGen C1858680, MONDO:0011412, OMIM 604218.

Submission:

Labcorp Genetics (formerly Invitae), Labcorp
Classification: Uncertain significance for Familial encephalopathy with neuroserpin inclusion bodies. Last evaluated: 2023-03-15. Review status: criteria provided, single submitter. Criteria: Invitae Variant Classification Sherloc (09022015). Collection method: clinical testing. Allele origin: germline.
Comment: In summary, the available evidence is currently insufficient to determine the role of this variant in disease. Therefore, it has been classified as a Variant of Uncertain Significance. Advanced modeling of protein sequence and biophysical properties (such as structural, functional, and spatial information, amino acid conservation, physicochemical variation, residue mobility, and thermodynamic stability) performed at Invitae indicates that this missense variant is not expected to disrupt SERPINI1 protein function. This variant has not been reported in the literature in individuals affected with SERPINI1-related conditions. This variant is not present in population databases (gnomAD no frequency). This sequence change replaces glutamic acid, which is acidic and polar, with lysine, which is basic and polar, at codon 222 of the SERPINI1 protein (p.Glu222Lys).

NM_001122752.2(SERPINI1):c.664G>A (p.Glu222Lys)

Gene: SERPINI1 (serpin family I member 1; plus strand). Cytogenetic location: 3q26.1.
Variant type: single nucleotide variant.
Coding change: c.664G>A on transcript NM_001122752.2 (MANE Select); coding-DNA position 664, G replaced by A.
Protein change: p.Glu222Lys; replaces glutamic acid 222 with lysine.
Molecular consequence: missense variant.
Genome position (GRCh38, 1-based): chr3:167,792,772, G>A. VCF-style: chr3-167792772-G-A. GRCh37 (hg19) VCF-style: chr3-167510560-G-A.
Other names: c.664G>A, p.Glu222Lys (NM_005025.5); short protein forms E222K.
Identifiers: ClinVar variation 2845429 (VCV002845429.3), dbSNP rs2476231458, ClinGen allele CA355156843.
Genomic context (GRCh38, chr3:167,792,772, plus strand): 5'-TTTTCTTTCACTAAAGATGATGAAAGTGAAGTCCAAATTCCAATGATGTATCAGCAAGGA[G>A]AATTTTATTATGGTAAGACATTTTTTGCTTTTATTTCTCTCTTCTTGCAGAATATCAACA-3'
Protein context (NP_001116224.1, residues 212-232): VQIPMMYQQG[Glu222Lys]FYYGEFSDGS